The following is an entry in ClinVar:

NM_030665.4(RAI1):c.1992G>A (p.Pro664=)

Gene: RAI1 (retinoic acid induced 1; plus strand). Cytogenetic location: 17p11.2.
Variant type: single nucleotide variant.
Coding change: c.1992G>A on transcript NM_030665.4 (MANE Select); coding-DNA position 1992, G replaced by A.
Protein change: p.Pro664=; no amino-acid change (proline 664 retained).
Molecular consequence: synonymous variant.
Genome position (GRCh38, 1-based): chr17:17,794,940, G>A. VCF-style: chr17-17794940-G-A. GRCh37 (hg19) VCF-style: chr17-17698254-G-A.
Other names: p.Pro664=.
Identifiers: ClinVar variation 96179 (VCV000096179.32), dbSNP rs8067439, ClinGen allele CA149327.

ClinVar aggregate classification (germline): Benign. Review status: criteria provided, multiple submitters, no conflicts (2 of 4 stars). 12 submissions from 12 submitters: Benign (9). 3 of the submissions do not count toward it. Last evaluated 2026-02-04.

Conditions:
Inborn genetic diseases. Identifiers: MedGen C0950123, MeSH D030342.
Smith-Magenis syndrome (SMS). Also called: CHROMOSOME 17p11.2 DELETION SYNDROME. Identifiers: Orphanet 819, MedGen C0795864, MONDO:0008434, OMIM 182290.

Allele frequency attached by ClinVar (database versions not stated): 1000 Genomes Project 0.39976; 1000 Genomes Project 30x 0.41052; gnomAD exomes 0.50193 and 0.59080; ExAC 0.50691; TOPMed 0.55931; gnomAD 0.56541 and 0.58185; ESP Exome Variant Server 0.60111.
gnomAD v4.1: 947,896 of 1,613,474 alleles (59%); highest among the groups gnomAD compares: Non-Finnish European, 64%; 291,042 homozygotes.

Submissions (12):

Labcorp Genetics (formerly Invitae), Labcorp
Classification: Benign. Last evaluated: 2026-02-04. Review status: criteria provided, single submitter. Criteria: Invitae Variant Classification Sherloc (09022015). Collection method: clinical testing. Allele origin: germline.

Mayo Clinic Laboratories, Mayo Clinic
Classification: Benign. Last evaluated: 2022-11-10. Review status: criteria provided, single submitter. Criteria: ACMG Guidelines, 2015. Collection method: clinical testing. Allele origin: germline. Observed: 44 variant alleles.

Genome-Nilou Lab
Classification: Benign for Smith-Magenis syndrome. Last evaluated: 2021-11-07. Review status: criteria provided, single submitter. Criteria: ACMG Guidelines, 2015. Collection method: clinical testing. Allele origin: germline. Affected: no.

Athena Diagnostics
Classification: Benign for Smith-Magenis syndrome. Last evaluated: 2017-05-05. Review status: criteria provided, single submitter. Criteria: Athena Diagnostics Criteria. Collection method: clinical testing. Allele origin: germline.

Ambry Genetics
Classification: Benign for Inborn genetic diseases. Last evaluated: 2016-03-11. Review status: criteria provided, single submitter. Criteria: Ambry Variant Classification Scheme 2023. Collection method: clinical testing. Allele origin: germline.

GeneDx
Classification: Benign. Last evaluated: 2015-03-03. Review status: criteria provided, single submitter. Criteria: GeneDx Variant Classification Process June 2021. Collection method: clinical testing. Allele origin: germline. Affected: yes.

Eurofins Ntd Llc (ga)
Classification: Benign. Last evaluated: 2014-12-22. Review status: criteria provided, single submitter. Criteria: EGL Classification Definitions 2015. Collection method: clinical testing. Allele origin: germline. Observed: 53 variant alleles, 36 heterozygotes, 17 homozygotes.

Breakthrough Genomics
Classification: Benign. Review status: criteria provided, single submitter. Criteria: ACMG Guidelines, 2015. Collection method: not provided. Allele origin: germline. Inheritance: Autosomal dominant inheritance. Affected: yes.

PreventionGenetics, part of Exact Sciences
Classification: Benign. Review status: criteria provided, single submitter. Criteria: ACMG Guidelines, 2015. Collection method: clinical testing. Allele origin: germline.

Diagnostic Laboratory, Department of Genetics, University Medical Center Groningen
Classification: Benign. Review status: no assertion criteria provided. Collection method: clinical testing. Allele origin: germline. Affected: yes. Study: VKGL Data-share Consensus. Not counted in ClinVar's aggregate classification.

Genetic Services Laboratory, University of Chicago
Classification: Likely benign for AllHighlyPenetrant. Review status: no assertion criteria provided. Collection method: clinical testing. Allele origin: germline. Inheritance: Autosomal dominant inheritance. Not counted in ClinVar's aggregate classification.
Comment: Likely benign based on allele frequency in 1000 Genomes Project or ESP global frequency and its presence in a patient with a rare or unrelated disease phenotype. NOT Sanger confirmed.

Joint Genome Diagnostic Labs from Nijmegen and Maastricht, Radboudumc and MUMC+
Classification: Benign. Review status: no assertion criteria provided. Collection method: clinical testing. Allele origin: germline. Affected: yes. Study: VKGL Data-share Consensus. Not counted in ClinVar's aggregate classification.